The following is an entry in ClinVar:

NM_001110556.2(FLNA):c.1567+18C>G

Gene: FLNA (filamin A; minus strand). Cytogenetic location: Xq28.
Variant type: single nucleotide variant.
Coding change: c.1567+18C>G on transcript NM_001110556.2 (MANE Select); 18 bases into the intron after coding-DNA position 1567, C replaced by G.
Molecular consequence: intron variant.
Genome position (GRCh38, 1-based): chrX:154,365,331, G>C on the plus strand (C>G on the coding strand, the complement: FLNA is on the minus strand). VCF-style: chrX-154365331-G-C. GRCh37 (hg19) VCF-style: chrX-153593699-G-C.
Other names: c.1567+18C>G (NM_001456.4).
Identifiers: ClinVar variation 381305 (VCV000381305.5), dbSNP rs782112668, ClinGen allele CA10561154.

ClinVar aggregate classification (germline): Likely benign. Review status: criteria provided, multiple submitters, no conflicts (2 of 4 stars). 3 submissions from 3 submitters: Likely benign (3). Last evaluated 2025-10-14.

Conditions:
Frontometaphyseal dysplasia (FMD1). Identifiers: Orphanet 1826, MedGen C0265293, MONDO:0015942.
Melnick-Needles syndrome (MNS). Also called: MELNICK-NEEDLES OSTEODYSPLASTY; OSTEODYSPLASTY OF MELNICK AND NEEDLES; Melnick-Needles Syndrome (FLNA-MNS). Identifiers: Orphanet 2484, MedGen C0025237, MONDO:0010650, OMIM 309350.
Oto-palato-digital syndrome, type II (OPD2). Also called: FACIOPALATOOSSEOUS SYNDROME; Otopalatodigital Syndrome, Type II; OPD II SYNDROME; Otopalatodigital Syndrome Type 2 (FLNA-OPD2). Identifiers: Orphanet 669, Orphanet 90652, MedGen C1844696, MONDO:0010571, OMIM 304120.
Heterotopia, periventricular, X-linked dominant (PVNH1). Also called: PERIVENTRICULAR NODULAR HETEROTOPIA 1; PERIVENTRICULAR NODULAR HETEROTOPIA 4; HETEROTOPIA, PERIVENTRICULAR, 1; X-linked periventricular heterotopia. Identifiers: Orphanet 2149, Orphanet 82004, MedGen C1848213, MONDO:0010233, OMIM 300049.

Allele frequency attached by ClinVar (database versions not stated): ExAC 0.00001; gnomAD 0.00002; gnomAD exomes 0.00003.
gnomAD v4.1: 34 of 1,210,730 alleles (0.0028%); highest among the groups gnomAD compares: Non-Finnish European, 0.0031%; no homozygotes.

Submissions (3):

Labcorp Genetics (formerly Invitae), Labcorp
Classification: Likely benign for Oto-palato-digital syndrome, type II; Heterotopia, periventricular, X-linked dominant; Frontometaphyseal dysplasia; Melnick-Needles syndrome. Last evaluated: 2025-10-14. Review status: criteria provided, single submitter. Criteria: Invitae Variant Classification Sherloc (09022015). Collection method: clinical testing. Allele origin: germline.

Blueprint Genetics
Classification: Likely benign. Last evaluated: 2024-11-26. Review status: criteria provided, single submitter. Criteria: ACMG Guidelines, 2015. Collection method: clinical testing. Allele origin: germline.

GeneDx
Classification: Likely benign. Last evaluated: 2018-02-23. Review status: criteria provided, single submitter. Criteria: GeneDx Variant Classification (06012015). Collection method: clinical testing. Allele origin: germline. Affected: yes.
Comment: This variant is considered likely benign or benign based on one or more of the following criteria: it is a conservative change, it occurs at a poorly conserved position in the protein, it is predicted to be benign by multiple in silico algorithms, and/or has population frequency not consistent with disease.